The following is an entry in ClinVar:

ClinVar aggregate classification (germline): Uncertain significance (1 of 4 stars; one submission).

Submission:

Labcorp Genetics (formerly Invitae), Labcorp
Classification: Uncertain significance. Last evaluated: 2022-09-24. Review status: criteria provided, single submitter. Criteria: Invitae Variant Classification Sherloc (09022015). Collection method: clinical testing. Allele origin: germline.
Comment: This sequence change replaces alanine, which is neutral and non-polar, with threonine, which is neutral and polar, at codon 906 of the NOTCH3 protein (p.Ala906Thr). This variant is not present in population databases (gnomAD no frequency). This variant has not been reported in the literature in individuals affected with NOTCH3-related conditions. Advanced modeling of protein sequence and biophysical properties (such as structural, functional, and spatial information, amino acid conservation, physicochemical variation, residue mobility, and thermodynamic stability) performed at Invitae indicates that this missense variant is not expected to disrupt NOTCH3 protein function. In summary, the available evidence is currently insufficient to determine the role of this variant in disease. Therefore, it has been classified as a Variant of Uncertain Significance.

NM_000435.3(NOTCH3):c.2716G>A (p.Ala906Thr)

Gene: NOTCH3 (notch receptor 3; minus strand). Cytogenetic location: 19p13.12.
Variant type: single nucleotide variant.
Coding change: c.2716G>A on transcript NM_000435.3 (MANE Select); coding-DNA position 2716, G replaced by A.
Protein change: p.Ala906Thr; replaces alanine 906 with threonine.
Molecular consequence: missense variant.
Genome position (GRCh38, 1-based): chr19:15,181,652, C>T on the plus strand (G>A on the coding strand, the complement: NOTCH3 is on the minus strand). VCF-style: chr19-15181652-C-T. GRCh37 (hg19) VCF-style: chr19-15292463-C-T.
Other names: short protein forms A906T.
Identifiers: ClinVar variation 1720283 (VCV001720283.5), dbSNP rs2145424068, ClinGen allele CA404517135.